The following is an entry in ClinVar:

ClinVar aggregate classification (germline): Uncertain significance (1 of 4 stars; one submission).

Conditions:
Aicardi-Goutieres syndrome 6 (AGS6). Identifiers: Orphanet 51, MedGen C3539013, MONDO:0014007, OMIM 615010.
Symmetrical dyschromatosis of extremities (DSH). Also called: Dyschromatosis symmetrica hereditaria; DYSCHROMATOSIS SYMMETRICA HEREDITARIA 1; RETICULATE ACROPIGMENTATION OF DOHI; SYMMETRIC DYSCHROMATOSIS OF THE EXTREMITIES. Identifiers: Orphanet 41, MedGen C0406775, MONDO:0007483, OMIM 127400.

Submission:

Labcorp Genetics (formerly Invitae), Labcorp
Classification: Uncertain significance for Aicardi-Goutieres syndrome 6; Symmetrical dyschromatosis of extremities. Last evaluated: 2021-06-06. Review status: criteria provided, single submitter. Criteria: Invitae Variant Classification Sherloc (09022015). Collection method: clinical testing. Allele origin: germline.
Comment: This sequence change replaces isoleucine with threonine at codon 873 of the ADAR protein (p.Ile873Thr). The isoleucine residue is highly conserved and there is a moderate physicochemical difference between isoleucine and threonine. This variant is not present in population databases (ExAC no frequency). This variant has not been reported in the literature in individuals with ADAR-related conditions. Algorithms developed to predict the effect of missense changes on protein structure and function are either unavailable or do not agree on the potential impact of this missense change (SIFT: "Deleterious"; PolyPhen-2: "Possibly Damaging"; Align-GVGD: "Class C15"). In summary, the available evidence is currently insufficient to determine the role of this variant in disease. Therefore, it has been classified as a Variant of Uncertain Significance.

NM_001111.5(ADAR):c.2618T>C (p.Ile873Thr)

Genes: ADAR (adenosine deaminase RNA specific; minus strand), LOC126805874 (CDK7 strongly-dependent group 2 enhancer GRCh37_chr1:154561176-154562375; plus strand). Cytogenetic location: 1q21.3.
Variant type: single nucleotide variant.
Coding change: c.2618T>C on transcript NM_001111.5 (MANE Select); coding-DNA position 2618, T replaced by C.
Protein change: p.Ile873Thr; replaces isoleucine 873 with threonine.
Molecular consequence: missense variant.
Genome position (GRCh38, 1-based): chr1:154,589,807, A>G on the plus strand (T>C on the coding strand, the complement: ADAR is on the minus strand). VCF-style: chr1-154589807-A-G. GRCh37 (hg19) VCF-style: chr1-154562283-A-G.
Other names: c.1733T>C, p.Ile578Thr (NM_001025107.3, NM_001193495.2, NM_001365046.1 and 2 more transcripts); c.2645T>C, p.Ile882Thr (NM_001365045.1); c.1655T>C, p.Ile552Thr (NM_001365049.1); c.2540T>C, p.Ile847Thr (NM_015840.4); c.2483T>C, p.Ile828Thr (NM_015841.4); short protein forms I828T, I578T, I873T, I552T, I847T, I882T.
Identifiers: ClinVar variation 1373686 (VCV001373686.8), dbSNP rs2101585327, ClinGen allele CA342636852.